The following is an entry in ClinVar:

NM_015338.6(ASXL1):c.2302C>A (p.Gln768Lys)

Gene: ASXL1 (ASXL transcriptional regulator 1; plus strand). Cytogenetic location: 20q11.21.
Variant type: single nucleotide variant.
Coding change: c.2302C>A on transcript NM_015338.6 (MANE Select); coding-DNA position 2302, C replaced by A.
Protein change: p.Gln768Lys; replaces glutamine 768 with lysine.
Molecular consequence: missense variant.
Genome position (GRCh38, 1-based): chr20:32,435,014, C>A. VCF-style: chr20-32435014-C-A. GRCh37 (hg19) VCF-style: chr20-31022817-C-A.
Other names: c.2119C>A, p.Gln707Lys (NM_001363734.1); short protein forms Q707K, Q768K.
Identifiers: ClinVar variation 1900369 (VCV001900369.5), dbSNP rs770762273, ClinGen allele CA408559524.

ClinVar aggregate classification (germline): Uncertain significance (1 of 4 stars; one submission).

gnomAD v4.1: 4 of 1,614,144 alleles (0.00025%); highest among the groups gnomAD compares: Admixed American, 0.0067%; no homozygotes.

Submission:

Labcorp Genetics (formerly Invitae), Labcorp
Classification: Uncertain significance. Last evaluated: 2025-08-21. Review status: criteria provided, single submitter. Criteria: Invitae Variant Classification Sherloc (09022015). Collection method: clinical testing. Allele origin: germline.
Comment: This sequence change replaces glutamine, which is neutral and polar, with lysine, which is basic and polar, at codon 768 of the ASXL1 protein (p.Gln768Lys). This variant is not present in population databases (gnomAD no frequency). This variant has not been reported in the literature in individuals affected with ASXL1-related conditions. ClinVar contains an entry for this variant (Variation ID: 1900369). An algorithm developed to predict the effect of missense changes on protein structure and function outputs the following: PolyPhen-2: "Benign". The lysine amino acid residue is found in multiple mammalian species, which suggests that this missense change does not adversely affect protein function. In summary, the available evidence is currently insufficient to determine the role of this variant in disease. Therefore, it has been classified as a Variant of Uncertain Significance.